The following is an entry in ClinVar:

NM_003240.5(LEFTY2):c.183T>A (p.Tyr61Ter)

Gene: LEFTY2 (left-right determination factor 2; minus strand). Cytogenetic location: 1q42.12.
Variant type: single nucleotide variant.
Coding change: c.183T>A on transcript NM_003240.5 (MANE Select); coding-DNA position 183, T replaced by A.
Protein change: p.Tyr61Ter; replaces tyrosine 61 with a stop codon.
Molecular consequence: nonsense.
Genome position (GRCh38, 1-based): chr1:225,940,958, A>T on the plus strand (T>A on the coding strand, the complement: LEFTY2 is on the minus strand). VCF-style: chr1-225940958-A-T. GRCh37 (hg19) VCF-style: chr1-226128658-A-T.
Other names: c.183T>A, p.Tyr61Ter (NM_001172425.3); short protein forms Y61*.
Identifiers: ClinVar variation 3726819 (VCV003726819.2).

ClinVar aggregate classification (germline): Uncertain significance (1 of 4 stars; one submission).

Conditions:
Left-right axis malformations. Identifiers: MedGen C1866091.

Submission:

Labcorp Genetics (formerly Invitae), Labcorp
Classification: Uncertain significance for Left-right axis malformations. Last evaluated: 2025-01-16. Review status: criteria provided, single submitter. Criteria: Invitae Variant Classification Sherloc (09022015). Collection method: clinical testing. Allele origin: germline.
Comment: This sequence change creates a premature translational stop signal (p.Tyr61*) in the LEFTY2 gene. It is expected to result in an absent or disrupted protein product. However, the current clinical and genetic evidence is not sufficient to establish whether loss-of-function variants in LEFTY2 cause disease. This variant is not present in population databases (gnomAD no frequency). This variant has not been reported in the literature in individuals affected with LEFTY2-related conditions. Algorithms developed to predict the effect of sequence changes on RNA splicing suggest that this variant may disrupt the consensus splice site. In summary, the available evidence is currently insufficient to determine the role of this variant in disease. Therefore, it has been classified as a Variant of Uncertain Significance.